The following is an entry in ClinVar:

ClinVar aggregate classification (germline): Pathogenic (1 of 4 stars; one submission).

Conditions:
Kabuki syndrome 1 (KABUK1). Also called: KMT2D-Related Kabuki Syndrome. Identifiers: Orphanet 2322, MedGen CN030661, MONDO:0007843, OMIM 147920.

Submission:

Victorian Clinical Genetics Services, Murdoch Childrens Research Institute
Classification: Pathogenic for Kabuki syndrome 1. Last evaluated: 2025-08-11. Review status: criteria provided, single submitter. Criteria: ACMG Guidelines, 2015. Collection method: clinical testing. Allele origin: germline. Affected: yes.
Comment: This variant is classified as Pathogenic. Evidence in support of pathogenic classification: Variant is predicted to cause nonsense-mediated decay (NMD) and loss of protein (premature termination codon is located at least 54 nucleotides upstream of the final exon-exon junction); Variant is absent from gnomAD (v2, v3 and v4); Additional information: This variant is heterozygous; This gene is associated with autosomal dominant disease; This variant has no previous evidence of pathogenicity; No published evidence of segregation with disease has been identified for this variant; No published functional evidence has been identified for this variant; Loss of function is a known mechanism of disease in this gene and is associated with Kabuki syndrome 1 (MIM#147920), and branchial arch abnormalities, choanal atresia, athelia, hearing loss, and hypothyroidism syndrome (MIM#620186); Variants in this gene are known to have variable expressivity (PMIDs: 21882399, 31949313).

Literature cited by the submitters: PubMed 21882399; PubMed 31949313.

NM_003482.4(KMT2D):c.14086dup (p.Asp4696fs)

Gene: KMT2D (lysine methyltransferase 2D; minus strand). Cytogenetic location: 12q13.12.
Variant type: Duplication.
Coding change: c.14086dup on transcript NM_003482.4 (MANE Select); coding-DNA position 14086, one base duplicated (G; older notation c.14086dupG).
Protein change: p.Asp4696fs; shifts the reading frame from aspartic acid 4696.
Molecular consequence: frameshift variant.
Genome position (GRCh38, 1-based): chr12:49,029,226, C duplicated on the plus strand (G on the coding strand, the reverse complement: KMT2D is on the minus strand). VCF-style (leftmost placement, unchanged base first): chr12-49029225-T-TC. GRCh37 (hg19) VCF-style: chr12-49423008-T-TC.
Other names: short protein forms D4696fs.
Identifiers: ClinVar variation 4531417 (VCV004531417.1).